The following is an entry in ClinVar:

NM_005157.6(ABL1):c.2358G>A (p.Leu786=)

Gene: ABL1 (ABL proto-oncogene 1, non-receptor tyrosine kinase; plus strand). Cytogenetic location: 9q34.12.
Variant type: single nucleotide variant.
Coding change: c.2358G>A on transcript NM_005157.6 (MANE Select); coding-DNA position 2358, G replaced by A.
Protein change: p.Leu786=; no amino-acid change (leucine 786 retained).
Molecular consequence: synonymous variant.
Genome position (GRCh38, 1-based): chr9:130,884,648, G>A. VCF-style: chr9-130884648-G-A. GRCh37 (hg19) VCF-style: chr9-133760035-G-A.
Other names: c.2415G>A (NM_007313.2); c.2415G>A, p.Leu805= (NM_007313.3).
Identifiers: ClinVar variation 1420152 (VCV001420152.8), dbSNP rs369307508, ClinGen allele CA5285682.

ClinVar aggregate classification (germline): Likely benign. Review status: criteria provided, multiple submitters, no conflicts (2 of 4 stars). 3 submissions from 3 submitters: Likely benign (2). 1 of the submissions does not count toward it. Last evaluated 2025-09-27.

Conditions:
ABL1-related disorder. Also called: ABL1-related condition.

Allele frequency attached by ClinVar (database versions not stated): gnomAD 0.00001; ExAC 0.00002; gnomAD exomes 0.00002; TOPMed 0.00002; ESP Exome Variant Server 0.00008.
gnomAD v4.1: 31 of 1,613,246 alleles (0.0019%); highest among the groups gnomAD compares: Middle Eastern, 0.016%; no homozygotes.

Submissions (3):

Labcorp Genetics (formerly Invitae), Labcorp
Classification: Likely benign. Last evaluated: 2025-09-27. Review status: criteria provided, single submitter. Criteria: Invitae Variant Classification Sherloc (09022015). Collection method: clinical testing. Allele origin: germline.

Blueprint Genetics
Classification: Likely benign. Last evaluated: 2024-09-10. Review status: criteria provided, single submitter. Criteria: ACMG Guidelines, 2015. Collection method: clinical testing. Allele origin: germline.

PreventionGenetics, part of Exact Sciences
Classification: Likely benign for ABL1-related condition. Last evaluated: 2024-06-17. Review status: no assertion criteria provided. Collection method: clinical testing. Allele origin: germline. Not counted in ClinVar's aggregate classification.
Comment: This variant is classified as likely benign based on ACMG/AMP sequence variant interpretation guidelines (Richards et al. 2015 PMID: 25741868, with internal and published modifications).